The following is an entry in ClinVar:

ClinVar aggregate classification (germline): Uncertain significance (1 of 4 stars; one submission).

Allele frequency attached by ClinVar (database versions not stated): gnomAD exomes 0.00001; TOPMed 0.00001; ExAC 0.00002; gnomAD 0.00002.
gnomAD v4.1: 11 of 1,571,708 alleles (0.0007%); highest among the groups gnomAD compares: South Asian, 0.0046%; no homozygotes.

Submission:

Labcorp Genetics (formerly Invitae), Labcorp
Classification: Uncertain significance. Last evaluated: 2020-02-07. Review status: criteria provided, single submitter. Criteria: Invitae Variant Classification Sherloc (09022015). Collection method: clinical testing. Allele origin: germline.
Comment: This variant is present in population databases (rs745404624, ExAC 0.009%). This sequence change replaces arginine with cysteine at codon 469 of the FSCN2 protein (p.Arg469Cys). The arginine residue is moderately conserved and there is a large physicochemical difference between arginine and cysteine. This variant has not been reported in the literature in individuals with FSCN2-related conditions. Algorithms developed to predict the effect of missense changes on protein structure and function are either unavailable or do not agree on the potential impact of this missense change (SIFT: "Deleterious"; PolyPhen-2: "Benign"; Align-GVGD: "Class C15"). In summary, the available evidence is currently insufficient to determine the role of this variant in disease. Therefore, it has been classified as a Variant of Uncertain Significance.

NM_012418.4(FSCN2):c.1333C>T (p.Arg445Cys)

Gene: FSCN2 (fascin actin-bundling protein 2, retinal; plus strand). Cytogenetic location: 17q25.3.
Variant type: single nucleotide variant.
Coding change: c.1333C>T on transcript NM_012418.4 (MANE Select); coding-DNA position 1333, C replaced by T.
Protein change: p.Arg445Cys; replaces arginine 445 with cysteine.
Molecular consequence: missense variant.
Genome position (GRCh38, 1-based): chr17:81,536,934, C>T. VCF-style: chr17-81536934-C-T. GRCh37 (hg19) VCF-style: chr17-79503960-C-T.
Other names: c.1405C>T, p.Arg469Cys (NM_001077182.3); short protein forms R469C, R445C.
Identifiers: ClinVar variation 1043912 (VCV001043912.9), dbSNP rs745404624, ClinGen allele CA8837116.
Genomic context (GRCh38, chr17:81,536,934, plus strand): 5'-GGCCGCGACGGAGGGTTCTGGTACACGGGCAGCCACGGCAGCGTGTGCAGCGACGGCGAA[C>T]GCGCCGAGGACTTCGTCTTCGAGTTCCGTGAGCGCGGCCGCCTGGCCATCCGCGCCCGGA-3'
Protein context (NP_036550.1, residues 435-455): SHGSVCSDGE[Arg445Cys]AEDFVFEFRE